The following is an entry in ClinVar:

NM_005228.5(EGFR):c.3070T>G (p.Phe1024Val)

Gene: EGFR (epidermal growth factor receptor; plus strand). Cytogenetic location: 7p11.2.
Variant type: single nucleotide variant.
Coding change: c.3070T>G on transcript NM_005228.5 (MANE Select); coding-DNA position 3070, T replaced by G.
Protein change: p.Phe1024Val; replaces phenylalanine 1024 with valine.
Molecular consequence: missense variant.
Genome position (GRCh38, 1-based): chr7:55,201,311, T>G. VCF-style: chr7-55201311-T-G. GRCh37 (hg19) VCF-style: chr7-55269004-T-G.
Other names: c.2935T>G, p.Phe979Val (NM_001346897.2, NM_001346899.2); c.3070T>G, p.Phe1024Val (NM_001346898.2); c.2911T>G, p.Phe971Val (NM_001346900.2); c.2269T>G, p.Phe757Val (NM_001346941.2); short protein forms F1024V, F757V, F979V, F971V.
Identifiers: ClinVar variation 5035814 (VCV005035814.1).

ClinVar aggregate classification (germline): Uncertain significance (1 of 4 stars; one submission).

Conditions:
Hereditary cancer-predisposing syndrome. Also called: Hereditary Cancer Syndrome; Neoplastic Syndromes, Hereditary; Tumor predisposition; Hereditary neoplastic syndrome. Identifiers: Orphanet 140162, MedGen C0027672, MeSH D009386, MONDO:0015356.

Submission:

Ambry Genetics
Classification: Uncertain significance for Hereditary cancer-predisposing syndrome. Last evaluated: 2026-08-08. Review status: criteria provided, single submitter. Criteria: Ambry Variant Classification Scheme 2023. Collection method: clinical testing. Allele origin: germline.
Comment: The p.F1024V variant (also known as c.3070T>G), located in coding exon 25 of the EGFR gene, results from a T to G substitution at nucleotide position 3070. The phenylalanine at codon 1024 is replaced by valine, an amino acid with highly similar properties. This amino acid position is conserved. In addition, this alteration is predicted to be deleterious by in silico analysis. Based on the available evidence, the clinical significance of this variant remains unclear.